The following is an entry in ClinVar:

ClinVar aggregate classification (germline): Uncertain significance (1 of 4 stars; one submission).

Submission:

Labcorp Genetics (formerly Invitae), Labcorp
Classification: Uncertain significance. Last evaluated: 2022-04-19. Review status: criteria provided, single submitter. Criteria: Invitae Variant Classification Sherloc (09022015). Collection method: clinical testing. Allele origin: germline.
Comment: In summary, the available evidence is currently insufficient to determine the role of this variant in disease. Therefore, it has been classified as a Variant of Uncertain Significance. Algorithms developed to predict the effect of missense changes on protein structure and function are either unavailable or do not agree on the potential impact of this missense change (SIFT: "Deleterious"; PolyPhen-2: "Benign"; Align-GVGD: "Class C0"). This variant has not been reported in the literature in individuals affected with RIMS1-related conditions. This variant is not present in population databases (gnomAD no frequency). This sequence change replaces lysine, which is basic and polar, with glutamic acid, which is acidic and polar, at codon 897 of the RIMS1 protein (p.Lys897Glu).

NM_014989.7(RIMS1):c.2689A>G (p.Lys897Glu)

Gene: RIMS1 (regulating synaptic membrane exocytosis 1; plus strand). Cytogenetic location: 6q13.
Variant type: single nucleotide variant.
Coding change: c.2689A>G on transcript NM_014989.7 (MANE Select); coding-DNA position 2689, A replaced by G.
Protein change: p.Lys897Glu; replaces lysine 897 with glutamic acid.
Molecular consequence: missense variant.
Genome position (GRCh38, 1-based): chr6:72,251,359, A>G. VCF-style: chr6-72251359-A-G. GRCh37 (hg19) VCF-style: chr6-72961062-A-G.
Other names: c.1111A>G, p.Lys371Glu (NM_001168407.2, NM_001168408.2, NM_001350414.2 and 37 more transcripts); c.868A>G, p.Lys290Glu (NM_001168409.2, NM_001350469.2, NM_001350461.2 and 6 more transcripts); c.1066A>G, p.Lys356Glu (NM_001168410.2, NM_001350470.2, NM_001350472.2 and 2 more transcripts); c.1042A>G, p.Lys348Glu (NM_001350430.2, NM_001350437.2, NM_001350450.2 and 6 more transcripts); short protein forms K290E, K356E, K348E, K371E, K897E.
Identifiers: ClinVar variation 2128165 (VCV002128165.4), dbSNP rs2552102634, ClinGen allele CA364680470.